The following is an entry in ClinVar:

ClinVar aggregate classification (germline): not provided (0 of 4 stars; one submission).

Conditions:
Gestational diabetes mellitus uncontrolled. Identifiers: MedGen C3532257.

Submission:

Institute of Molecular and Cell Biology, University of Tartu
No classification provided. Condition: Gestational diabetes mellitus uncontrolled. Review status: no classification provided. Collection method: case-control. Allele origin: unknown. Affected: yes. Study: Kasak2014.
Comment: The study aimed to determine the contribution of copy number variants in the genetic etiology of normal and complicated pregnancies. The samples represented (i) maternal blood DNA drawn from healthy pregnant women during 1st or 2nd trimester and (ii) maternal and paternal blood DNA drawn at term pregnancy cases representing normal and complicated gestations (severe preeclampsia, PE; gestational diabetes, GD; small-for-gestational age newborn, SGA; large-for-gestational age newborn, LGA). We performed CNV calling based on genome-wide genotyping dataset (Illumina HumanOmniExpress-24-v1 BeadChip) by applying three algorithms, QuantiSNP, GADA (Genome Alteration Detection Algorithm) and CNstream in parallel. The acquired CNV calls were merged with HD-CNV (Hotspot Detector for Copy Number Variants) program and only the CNVs predicted by at least two programs, were considered in subsequent analysis.

Literature cited by the submitters: PubMed 25666259.

NC_000007.14:g.44935_63494dup

Variant type: Duplication.
Identifiers: ClinVar variation 157034 (VCV000157034.2).